The following is an entry in ClinVar:

ClinVar aggregate classification (germline): Likely pathogenic. Review status: criteria provided, multiple submitters, no conflicts (2 of 4 stars). 2 submissions from 2 submitters: Likely pathogenic (2). Last evaluated 2024-08-01.

Conditions:
Joubert syndrome 17 (JBTS17). Identifiers: Orphanet 475, MedGen C3553264, MONDO:0013824, OMIM 614615.
Orofaciodigital syndrome type 6 (OFD6). Also called: OROFACIODIGITAL SYNDROME VI; OFDS VI; POLYDACTYLY, CLEFT LIP/PALATE OR LINGUAL LUMP, AND PSYCHOMOTOR RETARDATION; VARADI SYNDROME; VARADI-PAPP SYNDROME; Oral-facial-digital syndrome type 6. Identifiers: Orphanet 2754, MedGen C2745997, MONDO:0010176, OMIM 277170.

Submissions (2):

3billion
Classification: Likely pathogenic for Joubert syndrome 17. Last evaluated: 2024-08-01. Review status: criteria provided, single submitter. Criteria: ACMG Guidelines, 2015. Collection method: clinical testing. Allele origin: germline. Affected: yes.
Comment: The variant is not observed in the gnomAD v4.0.0 dataset. Predicted Consequence/Location: Stop-gained (nonsense): predicted to result in a loss or disruption of normal protein function through nonsense-mediated decay (NMD) or protein truncation. Multiple pathogenic variants are reported downstream of the variant. in silico tool predictions suggest damaging effect of the variant on gene or gene product [3Cnet: 1.00 (damaging >=0.6, benign <0.15)]. Therefore, this variant is classified as Likely pathogenic according to the recommendation of ACMG/AMP guideline.

Fulgent Genetics
Classification: Likely pathogenic for Orofaciodigital syndrome type 6; Joubert syndrome 17. Last evaluated: 2024-03-28. Review status: criteria provided, single submitter. Criteria: ACMG Guidelines, 2015. Collection method: clinical testing. Allele origin: germline.

NM_001384732.1(CPLANE1):c.7177G>T (p.Glu2393Ter)

Gene: CPLANE1 (ciliogenesis and planar polarity effector complex subunit 1; minus strand). Cytogenetic location: 5p13.2.
Variant type: single nucleotide variant.
Coding change: c.7177G>T on transcript NM_001384732.1 (MANE Select); coding-DNA position 7177, G replaced by T.
Protein change: p.Glu2393Ter; replaces glutamic acid 2393 with a stop codon.
Molecular consequence: nonsense.
Genome position (GRCh38, 1-based): chr5:37,168,847, C>A on the plus strand (G>T on the coding strand, the complement: CPLANE1 is on the minus strand). VCF-style: chr5-37168847-C-A. GRCh37 (hg19) VCF-style: chr5-37168949-C-A.
Other names: c.7177G>T, p.Glu2393Ter (NM_023073.4); c.7177G>T (NM_023073.3); short protein forms E2393*.
Identifiers: ClinVar variation 3592401 (VCV003592401.2).